The following is an entry in ClinVar:

NM_000045.4(ARG1):c.115A>T (p.Lys39Ter)

Genes: ARG1 (arginase 1; plus strand), MED23 (mediator complex subunit 23; minus strand). Cytogenetic location: 6q23.2.
Variant type: single nucleotide variant.
Coding change: c.115A>T on transcript NM_000045.4 (MANE Select); coding-DNA position 115, A replaced by T.
Protein change: p.Lys39Ter; replaces lysine 39 with a stop codon.
Molecular consequence: nonsense. On other transcripts: intron variant (2).
Genome position (GRCh38, 1-based): chr6:131,576,720, A>T. VCF-style: chr6-131576720-A-T. GRCh37 (hg19) VCF-style: chr6-131897860-A-T.
Other names: c.4078-2425T>A (NM_001270521.2); c.4096-2425T>A (NM_015979.4); c.115A>T, p.Lys39Ter (NM_001244438.2, NM_001369020.1); short protein forms K39*.
Identifiers: ClinVar variation 3728527 (VCV003728527.2).

ClinVar aggregate classification (germline): Pathogenic (1 of 4 stars; one submission).

Conditions:
Arginase deficiency. Also called: Arginase 1 Deficiency; ARGININEMIA; ARG1 DEFICIENCY. Identifiers: Orphanet 90, MedGen C0268548, MONDO:0008814, OMIM 207800.

Submission:

Labcorp Genetics (formerly Invitae), Labcorp
Classification: Pathogenic for Arginase deficiency. Last evaluated: 2025-01-06. Review status: criteria provided, single submitter. Criteria: Invitae Variant Classification Sherloc (09022015). Collection method: clinical testing. Allele origin: germline.
Comment: This sequence change creates a premature translational stop signal (p.Lys39*) in the ARG1 gene. It is expected to result in an absent or disrupted protein product. Loss-of-function variants in ARG1 are known to be pathogenic (PMID: 7649538, 12052859). This variant is not present in population databases (gnomAD no frequency). This variant has not been reported in the literature in individuals affected with ARG1-related conditions. Algorithms developed to predict the effect of sequence changes on RNA splicing suggest that this variant may disrupt the consensus splice site. For these reasons, this variant has been classified as Pathogenic.

Literature cited by the submitters: PubMed 7649538; PubMed 12052859.